The following is an entry in ClinVar:

ClinVar aggregate classification (germline): Uncertain significance (1 of 4 stars; one submission).

Conditions:
Juvenile polyposis syndrome (JPS). Identifiers: Orphanet 2929, MedGen C0345893, MONDO:0017380, OMIM 174900.

Submission:

Labcorp Genetics (formerly Invitae), Labcorp
Classification: Uncertain significance for Juvenile polyposis syndrome. Last evaluated: 2019-12-18. Review status: criteria provided, single submitter. Criteria: Invitae Variant Classification Sherloc (09022015). Collection method: clinical testing. Allele origin: germline.
Comment: This sequence change replaces tyrosine with histidine at codon 179 of the BMPR1A protein (p.Tyr179His). The tyrosine residue is moderately conserved and there is a moderate physicochemical difference between tyrosine and histidine. This variant is not present in population databases (ExAC no frequency). This variant has not been reported in the literature in individuals with BMPR1A-related conditions. Algorithms developed to predict the effect of missense changes on protein structure and function output the following: SIFT: "Tolerated"; PolyPhen-2: "Benign"; Align-GVGD: "Class C0". The histidine amino acid residue is found in multiple mammalian species, suggesting that this missense change does not adversely affect protein function. These predictions have not been confirmed by published functional studies and their clinical significance is uncertain. In summary, the available evidence is currently insufficient to determine the role of this variant in disease. Therefore, it has been classified as a Variant of Uncertain Significance.

NM_004329.3(BMPR1A):c.535T>C (p.Tyr179His)

Gene: BMPR1A (bone morphogenetic protein receptor type 1A; plus strand). Cytogenetic location: 10q23.2.
Variant type: single nucleotide variant.
Coding change: c.535T>C on transcript NM_004329.3 (MANE Select); coding-DNA position 535, T replaced by C.
Protein change: p.Tyr179His; replaces tyrosine 179 with histidine.
Molecular consequence: missense variant.
Genome position (GRCh38, 1-based): chr10:86,912,244, T>C. VCF-style: chr10-86912244-T-C. GRCh37 (hg19) VCF-style: chr10-88672001-T-C.
Other names: short protein forms Y179H.
Identifiers: ClinVar variation 842749 (VCV000842749.10), dbSNP rs1843500916, ClinGen allele CA377454046.